The following is an entry in ClinVar:

NM_022072.5(NSUN3):c.788C>G (p.Ser263Cys)

Gene: NSUN3 (NOP2/Sun RNA methyltransferase 3; plus strand). Cytogenetic location: 3q11.2.
Variant type: single nucleotide variant.
Coding change: c.788C>G on transcript NM_022072.5 (MANE Select); coding-DNA position 788, C replaced by G.
Protein change: p.Ser263Cys; replaces serine 263 with cysteine.
Molecular consequence: missense variant.
Genome position (GRCh38, 1-based): chr3:94,126,255, C>G. VCF-style: chr3-94126255-C-G. GRCh37 (hg19) VCF-style: chr3-93845099-C-G.
Other names: short protein forms S263C.
Identifiers: ClinVar variation 1983494 (VCV001983494.6), dbSNP rs758319727, ClinGen allele CA2504797.

ClinVar aggregate classification (germline): Uncertain significance. Review status: criteria provided, multiple submitters, no conflicts (2 of 4 stars). 2 submissions from 2 submitters: Uncertain significance (2). Last evaluated 2024-12-25.

Conditions:
Inborn genetic diseases. Identifiers: MedGen C0950123, MeSH D030342.

Allele frequency attached by ClinVar (database versions not stated): ExAC 0.00002; gnomAD exomes 0.00002; TOPMed 0.00033; gnomAD 0.00035.
gnomAD v4.1: 86 of 1,613,970 alleles (0.0053%); highest among the groups gnomAD compares: Admixed American, 0.12%; no homozygotes.

Submissions (2):

Ambry Genetics
Classification: Uncertain significance for Inborn genetic diseases. Last evaluated: 2024-12-25. Review status: criteria provided, single submitter. Criteria: Ambry Variant Classification Scheme 2023. Collection method: clinical testing. Allele origin: germline.

Labcorp Genetics (formerly Invitae), Labcorp
Classification: Uncertain significance. Last evaluated: 2023-11-13. Review status: criteria provided, single submitter. Criteria: Invitae Variant Classification Sherloc (09022015). Collection method: clinical testing. Allele origin: germline.
Comment: This sequence change replaces serine, which is neutral and polar, with cysteine, which is neutral and slightly polar, at codon 263 of the NSUN3 protein (p.Ser263Cys). This variant is present in population databases (rs758319727, gnomAD 0.06%), and has an allele count higher than expected for a pathogenic variant. This variant has not been reported in the literature in individuals affected with NSUN3-related conditions. ClinVar contains an entry for this variant (Variation ID: 1983494). An algorithm developed to predict the effect of missense changes on protein structure and function (PolyPhen-2) suggests that this variant is likely to be disruptive. In summary, the available evidence is currently insufficient to determine the role of this variant in disease. Therefore, it has been classified as a Variant of Uncertain Significance.